The following is an entry in ClinVar:

NM_001393586.1(MYO7B):c.736-10T>A

Gene: MYO7B (myosin VIIB; plus strand). Cytogenetic location: 2q14.3.
Variant type: single nucleotide variant.
Coding change: c.736-10T>A on transcript NM_001393586.1 (MANE Select); 10 bases into the intron before coding-DNA position 736, T replaced by A.
Molecular consequence: intron variant.
Genome position (GRCh38, 1-based): chr2:127,576,585, T>A. VCF-style: chr2-127576585-T-A. GRCh37 (hg19) VCF-style: chr2-128334160-T-A.
Other names: c.736-10T>A (NM_001080527.2).
Identifiers: ClinVar variation 3056023 (VCV003056023.2), dbSNP rs2468404028, ClinGen allele CA1036191073.

ClinVar aggregate classification (germline): Likely benign (0 of 4 stars; one submission).

Conditions:
MYO7B-related disorder. Also called: MYO7B-related condition.

Submission:

PreventionGenetics, part of Exact Sciences
Classification: Likely benign for MYO7B-related condition. Last evaluated: 2019-12-03. Review status: no assertion criteria provided. Collection method: clinical testing. Allele origin: germline.
Comment: This variant is classified as likely benign based on ACMG/AMP sequence variant interpretation guidelines (Richards et al. 2015 PMID: 25741868, with internal and published modifications).